The following is an entry in ClinVar:

ClinVar aggregate classification (germline): Uncertain significance (1 of 4 stars; one submission).

Conditions:
Mucopolysaccharidosis type 1. Also called: IDUA deficiency; MPS I; Mucopolysaccharidosis Type I. Identifiers: Orphanet 579, MedGen C0023786, MONDO:0001586.

gnomAD v4.1: 1 of 1,514,758 alleles (0.000066%); no homozygotes.

Submission:

Labcorp Genetics (formerly Invitae), Labcorp
Classification: Uncertain significance for Mucopolysaccharidosis type 1. Last evaluated: 2022-02-10. Review status: criteria provided, single submitter. Criteria: Invitae Variant Classification Sherloc (09022015). Collection method: clinical testing. Allele origin: germline.
Comment: Algorithms developed to predict the effect of missense changes on protein structure and function (SIFT, PolyPhen-2, Align-GVGD) all suggest that this variant is likely to be tolerated. This variant has not been reported in the literature in individuals affected with IDUA-related conditions. This variant is not present in population databases (gnomAD no frequency). This sequence change replaces arginine, which is basic and polar, with leucine, which is neutral and non-polar, at codon 492 of the IDUA protein (p.Arg492Leu). In summary, the available evidence is currently insufficient to determine the role of this variant in disease. Therefore, it has been classified as a Variant of Uncertain Significance. This variant disrupts the p.Arg492 amino acid residue in IDUA. Other variant(s) that disrupt this residue have been determined to be pathogenic (PMID: 7550232). This suggests that this residue is clinically significant, and that variants that disrupt this residue are likely to be disease-causing.

Literature cited by the submitters: PubMed 7550232.

NM_000203.5(IDUA):c.1475G>T (p.Arg492Leu)

Gene: IDUA (alpha-L-iduronidase; plus strand). Cytogenetic location: 4p16.3.
Variant type: single nucleotide variant.
Coding change: c.1475G>T on transcript NM_000203.5 (MANE Select); coding-DNA position 1475, G replaced by T.
Protein change: p.Arg492Leu; replaces arginine 492 with leucine.
Molecular consequence: missense variant. On other transcripts: non-coding transcript variant (1).
Genome position (GRCh38, 1-based): chr4:1,003,108, G>T. VCF-style: chr4-1003108-G-T. GRCh37 (hg19) VCF-style: chr4-996896-G-T.
Other names: c.1079G>T, p.Arg360Leu (NM_001363576.1); short protein forms R492L, R360L.
Identifiers: ClinVar variation 2095144 (VCV002095144.4), dbSNP rs121965026, ClinGen allele CA355964663.